The following is an entry in ClinVar:

ClinVar aggregate classification (germline): Uncertain significance (1 of 4 stars; one submission).

Conditions:
Developmental and epileptic encephalopathy, 11 (DEE11). Also called: Early infantile epileptic encephalopathy 11. Identifiers: Orphanet 1934, MedGen C3150987, MONDO:0013388, OMIM 613721.
Seizures, benign familial infantile, 3 (BFIS3). Also called: CONVULSIONS, BENIGN FAMILIAL INFANTILE, 3; Familial neonatal seizures. Identifiers: Orphanet 140927, Orphanet 306, MedGen C1843140, MONDO:0011904, OMIM 607745.

Submission:

Labcorp Genetics (formerly Invitae), Labcorp
Classification: Uncertain significance for Seizures, benign familial infantile, 3; Developmental and epileptic encephalopathy, 11. Last evaluated: 2026-01-31. Review status: criteria provided, single submitter. Criteria: Invitae Variant Classification Sherloc (09022015). Collection method: clinical testing. Allele origin: germline.
Comment: This sequence change replaces histidine, which is basic and polar, with arginine, which is basic and polar, at codon 615 of the SCN2A protein (p.His615Arg). This variant is not present in population databases (gnomAD no frequency). This variant has not been reported in the literature in individuals affected with SCN2A-related conditions. Invitae Evidence Modeling of protein sequence and biophysical properties (such as structural, functional, and spatial information, amino acid conservation, physicochemical variation, residue mobility, and thermodynamic stability) indicates that this missense variant is not expected to disrupt SCN2A protein function with a negative predictive value of 95%. In summary, the available evidence is currently insufficient to determine the role of this variant in disease. Therefore, it has been classified as a Variant of Uncertain Significance.

NM_001040142.2(SCN2A):c.1844A>G (p.His615Arg)

Gene: SCN2A (sodium voltage-gated channel alpha subunit 2; plus strand). Cytogenetic location: 2q24.3.
Variant type: single nucleotide variant.
Coding change: c.1844A>G on transcript NM_001040142.2 (MANE Select); coding-DNA position 1844, A replaced by G.
Protein change: p.His615Arg; replaces histidine 615 with arginine.
Molecular consequence: missense variant.
Genome position (GRCh38, 1-based): chr2:165,323,328, A>G. VCF-style: chr2-165323328-A-G. GRCh37 (hg19) VCF-style: chr2-166179838-A-G.
Other names: c.1844A>G, p.His615Arg (NM_001040143.2, NM_001371246.1, NM_001371247.1 and 1 more transcripts); short protein forms H615R.
Identifiers: ClinVar variation 4792388 (VCV004792388.1).